The following is an entry in ClinVar:

NM_004758.4(TSPOAP1):c.3317C>T (p.Ser1106Phe)

Gene: TSPOAP1 (TSPO associated protein 1; minus strand). Cytogenetic location: 17q22.
Variant type: single nucleotide variant.
Coding change: c.3317C>T on transcript NM_004758.4 (MANE Select); coding-DNA position 3317, C replaced by T.
Protein change: p.Ser1106Phe; replaces serine 1106 with phenylalanine.
Molecular consequence: missense variant.
Genome position (GRCh38, 1-based): chr17:58,310,978, G>A on the plus strand (C>T on the coding strand, the complement: TSPOAP1 is on the minus strand). VCF-style: chr17-58310978-G-A. GRCh37 (hg19) VCF-style: chr17-56388339-G-A.
Other names: c.3317C>T, p.Ser1106Phe (NM_001261835.2); c.3137C>T, p.Ser1046Phe (NM_024418.3); short protein forms S1046F, S1106F.
Identifiers: ClinVar variation 4883424 (VCV004883424.2).

ClinVar aggregate classification (germline): Uncertain significance (1 of 4 stars; one submission).

gnomAD v4.1: 6 of 1,596,672 alleles (0.00038%); highest among the groups gnomAD compares: African/African-American, 0.0054%; no homozygotes.

Submission:

Dasa
Classification: Uncertain significance. Last evaluated: 2025-05-17. Review status: criteria provided, single submitter. Criteria: DASA Assertion Criteria. Collection method: clinical testing. Allele origin: germline.
Comment: NM_004758.4(TSPOAP1):c.3317C>T (p.Ser1106Phe) is a missense variant that results in the substitution of serine with phenylalanine. This variant is rare in population databases. Computational prediction algorithms are consistent with a benign effect. The currently available literature and clinical evidence are not sufficient to establish a definitive association between this variant and the reported condition. Therefore, this variant is classified as a variant of uncertain significance.